The following is an entry in ClinVar:

ClinVar aggregate classification (germline): Uncertain significance (1 of 4 stars; one submission).

Conditions:
Hereditary diffuse gastric adenocarcinoma (HDGC). Also called: DIFFUSE GASTRIC AND LOBULAR BREAST CANCER SYNDROME. Identifiers: Orphanet 26106, MedGen C1708349, MONDO:0007648, OMIM 137215.

Submission:

Labcorp Genetics (formerly Invitae), Labcorp
Classification: Uncertain significance for Hereditary diffuse gastric adenocarcinoma. Last evaluated: 2022-04-01. Review status: criteria provided, single submitter. Criteria: Invitae Variant Classification Sherloc (09022015). Collection method: clinical testing. Allele origin: germline.
Comment: In summary, the available evidence is currently insufficient to determine the role of this variant in disease. Therefore, it has been classified as a Variant of Uncertain Significance. This sequence change replaces leucine, which is neutral and non-polar, with proline, which is neutral and non-polar, at codon 11 of the CDH1 protein (p.Leu11Pro). This variant is not present in population databases (gnomAD no frequency). This variant has not been reported in the literature in individuals affected with CDH1-related conditions. ClinVar contains an entry for this variant (Variation ID: 1022673). Algorithms developed to predict the effect of missense changes on protein structure and function output the following: SIFT: "Deleterious"; PolyPhen-2: "Probably Damaging"; Align-GVGD: "Class C0". The proline amino acid residue is found in multiple mammalian species, which suggests that this missense change does not adversely affect protein function.

NM_004360.5(CDH1):c.32T>C (p.Leu11Pro)

Gene: CDH1 (cadherin 1; plus strand). Cytogenetic location: 16q22.1.
Variant type: single nucleotide variant.
Coding change: c.32T>C on transcript NM_004360.5 (MANE Select); coding-DNA position 32, T replaced by C.
Protein change: p.Leu11Pro; replaces leucine 11 with proline.
Molecular consequence: missense variant. On other transcripts: 5 prime UTR variant (2).
Genome position (GRCh38, 1-based): chr16:68,737,447, T>C. VCF-style: chr16-68737447-T-C. GRCh37 (hg19) VCF-style: chr16-68771350-T-C.
Other names: c.32T>C, p.Leu11Pro (NM_001317184.2); c.-1584T>C (NM_001317185.2); c.-1788T>C (NM_001317186.2); short protein forms L11P.
Identifiers: ClinVar variation 1022673 (VCV001022673.11), dbSNP rs1393903966, ClinGen allele CA396451368.
Genomic context (GRCh38, chr16:68,737,447, plus strand): 5'-CTGCCCTCGCTCGGCGTCCCCGGCCAGCCATGGGCCCTTGGAGCCGCAGCCTCTCGGCGC[T>C]GCTGCTGCTGCTGCAGGTACCCCGGATCCCCTGACTTGCGAGGGACGCATTCGGGCCGCA-3'
Protein context (NP_004351.1, residues 1-21): MGPWSRSLSA[Leu11Pro]LLLLQVSSWL